The following is an entry in ClinVar:

NM_001290060.2(SEMA3B):c.333dup (p.Glu112Ter)

Gene: SEMA3B (semaphorin 3B; plus strand). Cytogenetic location: 3p21.31.
Variant type: Duplication.
Coding change: c.333dup on transcript NM_001290060.2 (MANE Select); coding-DNA position 333, one base duplicated (T; older notation c.333dupT).
Protein change: p.Glu112Ter; replaces glutamic acid 112 with a stop codon.
Molecular consequence: nonsense.
Genome position (GRCh38, 1-based): chr3:50,270,892, T duplicated. VCF-style (leftmost placement, unchanged base first): chr3-50270891-C-CT. GRCh37 (hg19) VCF-style: chr3-50308322-C-CT.
Other names: c.333dup, p.Glu112Ter (NM_001005914.3, NM_001290061.1, NM_001435956.1 and 3 more transcripts); c.333dupT (NM_001290061.1); short protein forms E112*.
Identifiers: ClinVar variation 4994580 (VCV004994580.1).

ClinVar aggregate classification (germline): Uncertain significance (1 of 4 stars; one submission).

Conditions:
SEMA3B-related disorder. Also called: SEMA3B-related condition.

Submission:

PreventionGenetics, part of Exact Sciences
Classification: Uncertain significance for SEMA3B-related condition. Last evaluated: 2025-11-10. Review status: criteria provided, single submitter. Criteria: ACMG Guidelines, 2015. Collection method: clinical testing. Allele origin: germline.
Comment: The SEMA3B c.333dupT variant is predicted to result in premature protein termination (p.Glu112*). To our knowledge, this variant has not been reported in the literature or in a large population database (gnomAD), indicating this variant is rare. Loss-of-function is not an established mechanism of SEMA3B-related disease. At this time, the clinical significance of this variant is uncertain due to the absence of conclusive functional and genetic evidence.